The following is an entry in ClinVar:

ClinVar aggregate classification (germline): Likely pathogenic (1 of 4 stars; one submission).

Submission:

GeneDx
Classification: Likely pathogenic. Last evaluated: 2018-03-29. Review status: criteria provided, single submitter. Criteria: GeneDx Variant Classification (06012015). Collection method: clinical testing. Allele origin: germline. Affected: yes.
Comment: The c.24777delC variant has not been published as a pathogenic variant, nor has it been reported as a benign variant to our knowledge. The c.24777delC variant causes a frameshift starting with codon Glutamic acid 8260, changes this amino acid to a Lysine residue, and creates a premature Stop codon at position 7 of the new reading frame, denoted p.Glu8260LysfsX7. This variant is predicted to cause loss of normal protein function either through protein truncation or nonsense-mediated mRNA decay. The c.24777delC variant is not observed in large population cohorts (Lek et al., 2016).

NM_001347702.2(SYNE1):c.1455del (p.Glu486fs)

Gene: SYNE1 (spectrin repeat containing nuclear envelope protein 1; minus strand). Cytogenetic location: 6q25.2.
Variant type: Deletion.
Coding change: c.1455del on transcript NM_001347702.2 (MANE Plus Clinical); coding-DNA position 1455, one base deleted (C; older notation c.1455delC).
Protein change: p.Glu486fs; shifts the reading frame from glutamic acid 486.
Molecular consequence: frameshift variant. On other transcripts: intron variant (2).
Genome position (GRCh38, 1-based): chr6:152,145,542, G deleted on the plus strand (C on the coding strand, the reverse complement: SYNE1 is on the minus strand); the first of 4 consecutive G bases (chr6:152,145,542-152,145,545); deleting any one gives the same sequence. VCF-style (leftmost placement, unchanged base first): chr6-152145541-CG-C. GRCh37 (hg19) VCF-style: chr6-152466676-CG-C.
Other names: c.24777delC (NM_033071.3); c.24777del, p.Glu8260fs (NM_033071.5); c.24977-1777del (NM_182961.4); c.1583-1777del (NM_001347701.2); short protein forms E486fs, E8260fs.
Identifiers: ClinVar variation 524033 (VCV000524033.2), dbSNP rs1554414122, ClinGen allele CA658796842.